The following is an entry in ClinVar:

NM_003072.5(SMARCA4):c.4004del (p.Pro1335fs)

Gene: SMARCA4 (SWI/SNF related BAF chromatin remodeling complex subunit ATPase 4; plus strand). Cytogenetic location: 19p13.2.
Variant type: Deletion.
Coding change: c.4004del on transcript NM_003072.5 (MANE Select); coding-DNA position 4004, one base deleted (C; older notation c.4004delC).
Protein change: p.Pro1335fs; shifts the reading frame from proline 1335.
Molecular consequence: frameshift variant. On other transcripts: non-coding transcript variant (1).
Genome position (GRCh38, 1-based): chr19:11,034,966, C deleted; the last of 2 consecutive C bases (chr19:11,034,965-11,034,966); deleting either gives the same sequence. VCF-style (leftmost placement, unchanged base first): chr19-11034964-GC-G. GRCh37 (hg19) VCF-style: chr19-11145640-GC-G.
Other names: c.4004del, p.Pro1335fs (NM_001128844.3, NM_001128849.3, NM_001387283.1); c.3905del, p.Pro1302fs (NM_001128845.2, NM_001128846.2, NM_001128847.4 and 2 more transcripts); c.3905delC, p.Pro1302Argfs (NM_001411150.1); short protein forms P1335fs, P1302fs.
Identifiers: ClinVar variation 1736958 (VCV001736958.3), dbSNP rs2515349166, ClinGen allele CA2580096361.
Genomic context (GRCh38, chr19:11,034,964, plus strand): 5'-TGCCCACCAGCGCATGGACCTGGACCGCAGGCGCGAGGAGGCCCGCAACCCCAAGCGGAA[GC>G]CGCGCCTCATGGAGGAGGACGAGCTCCCCTCGTGGATCATCAAGGACGACGCGGAGGTGG-3'

ClinVar aggregate classification (germline): Pathogenic (1 of 4 stars; one submission).

Conditions:
Hereditary cancer-predisposing syndrome. Also called: Tumor predisposition; Hereditary Cancer Syndrome; Hereditary neoplastic syndrome; Neoplastic Syndromes, Hereditary. Identifiers: Orphanet 140162, MedGen C0027672, MeSH D009386, MONDO:0015356.

Submission:

Ambry Genetics
Classification: Pathogenic for Hereditary cancer-predisposing syndrome. Last evaluated: 2026-01-12. Review status: criteria provided, single submitter. Criteria: Ambry Variant Classification Scheme 2023. Collection method: clinical testing. Allele origin: germline.
Comment: The c.4004delC pathogenic mutation, located in coding exon 28 of the SMARCA4 gene, results from a deletion of one nucleotide at nucleotide position 4004, causing a translational frameshift with a predicted alternate stop codon (p.P1335Rfs*23). This variant is considered to be rare based on population cohorts in the Genome Aggregation Database (gnomAD). This alteration is expected to result in loss of function by premature protein truncation or nonsense-mediated mRNA decay. Loss-of-function variants in SMARCA4 are known to cause rhabdoid tumor predisposition syndrome including small cell carcinoma of the ovary-hypercalcemic type (SCCOHT); however, such associations with neurodevelopmental disorders are exceedingly rare (Kosho T et al. Am J Med Genet C Semin Med Genet. 2014 Sep;166C(3):262-75; Jelinic P et al. Nat Genet. 2014 May;46(5):424-6). Based on the supporting evidence, this alteration is pathogenic for rhabdoid tumor predisposition syndrome; however, the association of this alteration with Coffin-Siris syndrome is unlikely.